The following is an entry in ClinVar:

ClinVar aggregate classification (germline): Uncertain significance. Review status: criteria provided, multiple submitters, no conflicts (2 of 4 stars). 2 submissions from 2 submitters: Uncertain significance (2). Last evaluated 2023-12-16.

Conditions:
Hereditary cancer-predisposing syndrome. Also called: Hereditary Cancer Syndrome; Neoplastic Syndromes, Hereditary; Tumor predisposition; Hereditary neoplastic syndrome. Identifiers: Orphanet 140162, MedGen C0027672, MeSH D009386, MONDO:0015356.
Cardiovascular phenotype. Identifiers: MedGen CN230736.
Neurofibromatosis, type 1 (NF1). Also called: VON RECKLINGHAUSEN DISEASE; Peripheral type neurofibromatosis; Neurofibromatosis, type I; NEUROFIBROMATOSIS, TYPE I, SOMATIC. Identifiers: Orphanet 636, MedGen C0027831, MONDO:0018975, OMIM 162200. Disease mechanism: loss of function.

Submissions (2):

Ambry Genetics
Classification: Uncertain significance for Cardiovascular phenotype; Hereditary cancer-predisposing syndrome. Last evaluated: 2023-12-16. Review status: criteria provided, single submitter. Criteria: Ambry Variant Classification Scheme 2023. Collection method: clinical testing. Allele origin: germline.
Comment: The p.A2484G variant (also known as c.7451C>G), located in coding exon 50 of the NF1 gene, results from a C to G substitution at nucleotide position 7451. The alanine at codon 2484 is replaced by glycine, an amino acid with similar properties. This amino acid position is conserved. In addition, this alteration is predicted to be tolerated by in silico analysis. Since supporting evidence is limited at this time, the clinical significance of this alteration remains unclear.

Labcorp Genetics (formerly Invitae), Labcorp
Classification: Uncertain significance for Neurofibromatosis, type 1. Last evaluated: 2022-02-20. Review status: criteria provided, single submitter. Criteria: Invitae Variant Classification Sherloc (09022015). Collection method: clinical testing. Allele origin: germline.
Comment: Advanced modeling of protein sequence and biophysical properties (such as structural, functional, and spatial information, amino acid conservation, physicochemical variation, residue mobility, and thermodynamic stability) performed at Invitae indicates that this missense variant is not expected to disrupt NF1 protein function. In summary, the available evidence is currently insufficient to determine the role of this variant in disease. Therefore, it has been classified as a Variant of Uncertain Significance. This sequence change replaces alanine, which is neutral and non-polar, with glycine, which is neutral and non-polar, at codon 2484 of the NF1 protein (p.Ala2484Gly). This variant is not present in population databases (gnomAD no frequency). This variant has not been reported in the literature in individuals affected with NF1-related conditions.

NM_001042492.3(NF1):c.7514C>G (p.Ala2505Gly)

Gene: NF1 (neurofibromin 1; plus strand). Cytogenetic location: 17q11.2.
Variant type: single nucleotide variant.
Coding change: c.7514C>G on transcript NM_001042492.3 (MANE Select); coding-DNA position 7514, C replaced by G.
Protein change: p.Ala2505Gly; replaces alanine 2505 with glycine.
Molecular consequence: missense variant.
Genome position (GRCh38, 1-based): chr17:31,352,313, C>G. VCF-style: chr17-31352313-C-G. GRCh37 (hg19) VCF-style: chr17-29679331-C-G.
Other names: c.7451C>G, p.Ala2484Gly (NM_000267.4); short protein forms A2484G, A2505G.
Identifiers: ClinVar variation 1349796 (VCV001349796.7), dbSNP rs1567625126, ClinGen allele CA399017550.